The following is an entry in ClinVar:

ClinVar aggregate classification (germline): Benign/Likely benign. Review status: criteria provided, multiple submitters, no conflicts (2 of 4 stars). 5 submissions from 5 submitters: Benign (2); Likely benign (3). Last evaluated 2025-09-22.

Conditions:
Hereditary cancer-predisposing syndrome. Also called: Hereditary neoplastic syndrome; Tumor predisposition; Neoplastic Syndromes, Hereditary; Hereditary Cancer Syndrome. Identifiers: Orphanet 140162, MedGen C0027672, MeSH D009386, MONDO:0015356.
Tuberous sclerosis 2 (TSC2). Identifiers: Orphanet 805, MedGen C1860707, MONDO:0013199, OMIM 613254.

Allele frequency attached by ClinVar (database versions not stated): gnomAD 0.00003 and 0.00004; TOPMed 0.00004; ESP Exome Variant Server 0.00008.
gnomAD v4.1: 12 of 1,608,988 alleles (0.00075%); highest among the groups gnomAD compares: African/African-American, 0.013%; no homozygotes.

Submissions (5):

Labcorp Genetics (formerly Invitae), Labcorp
Classification: Likely benign for Tuberous sclerosis 2. Last evaluated: 2025-09-22. Review status: criteria provided, single submitter. Criteria: Invitae Variant Classification Sherloc (09022015). Collection method: clinical testing. Allele origin: germline.

Myriad Genetics, Inc.
Classification: Benign for Tuberous sclerosis 2. Last evaluated: 2025-06-03. Review status: criteria provided, single submitter. Criteria: Myriad Autosomal Dominant, Autosomal Recessive and X-Linked Classification Criteria (2023). Collection method: clinical testing. Allele origin: unknown.
Comment: This variant is considered benign. This variant is a silent/synonymous amino acid change and it is not expected to impact splicing.

Genome-Nilou Lab
Classification: Benign for Tuberous sclerosis 2. Last evaluated: 2021-11-07. Review status: criteria provided, single submitter. Criteria: ACMG Guidelines, 2015. Collection method: clinical testing. Allele origin: germline. Affected: no.

GeneDx
Classification: Likely benign. Last evaluated: 2019-09-12. Review status: criteria provided, single submitter. Criteria: GeneDx Variant Classification Process June 2021. Collection method: clinical testing. Allele origin: germline. Affected: yes.

Ambry Genetics
Classification: Likely benign for Hereditary cancer-predisposing syndrome. Last evaluated: 2019-03-21. Review status: criteria provided, single submitter. Criteria: Ambry Variant Classification Scheme 2023. Collection method: clinical testing. Allele origin: germline.

NM_000548.5(TSC2):c.4332C>T (p.Pro1444=)

Gene: TSC2 (TSC complex subunit 2; plus strand). Cytogenetic location: 16p13.3.
Variant type: single nucleotide variant.
Coding change: c.4332C>T on transcript NM_000548.5 (MANE Select); coding-DNA position 4332, C replaced by T.
Protein change: p.Pro1444=; no amino-acid change (proline 1444 retained).
Molecular consequence: synonymous variant.
Genome position (GRCh38, 1-based): chr16:2,084,554, C>T. VCF-style: chr16-2084554-C-T. GRCh37 (hg19) VCF-style: chr16-2134555-C-T.
Other names: c.4131C>T, p.Pro1377= (NM_001077183.3); c.4263C>T, p.Pro1421= (NM_001114382.3); c.4023C>T, p.Pro1341= (NM_001318827.2); c.3987C>T, p.Pro1329= (NM_001318829.2); c.3600C>T, p.Pro1200= (NM_001318831.2); c.4164C>T, p.Pro1388= (NM_001318832.2); c.4134C>T, p.Pro1378= (NM_001363528.2); c.4200C>T, p.Pro1400= (NM_001370404.1); and 1 more.
Identifiers: ClinVar variation 380426 (VCV000380426.59), dbSNP rs373973956, ClinGen allele CA16606957.